The following is an entry in ClinVar:

NM_000126.4(ETFA):c.351+17T>C

Gene: ETFA (electron transfer flavoprotein subunit alpha; minus strand). Cytogenetic location: 15q24.2.
Variant type: single nucleotide variant.
Coding change: c.351+17T>C on transcript NM_000126.4 (MANE Select); 17 bases into the intron after coding-DNA position 351, T replaced by C.
Molecular consequence: intron variant.
Genome position (GRCh38, 1-based): chr15:76,292,414, A>G on the plus strand (T>C on the coding strand, the complement: ETFA is on the minus strand). VCF-style: chr15-76292414-A-G. GRCh37 (hg19) VCF-style: chr15-76584755-A-G.
Other names: c.204+17T>C (NM_001127716.2).
Identifiers: ClinVar variation 137224 (VCV000137224.37), dbSNP rs138629105, ClinGen allele CA290759.
Genomic context (GRCh38, chr15:76,292,414, plus strand): 5'-TGTTGCATACTTTCAGCACAATGAAATCTAACCCTTTCAAGCAGTGATATCAGATTCCAC[A>G]TTCTCAACCTTCTCACCTTTCCGAAGGCAGATGCTCCAGCACAGATGTGTGTGTAATTGA-3'

ClinVar aggregate classification (germline): Benign/Likely benign. Review status: criteria provided, multiple submitters, no conflicts (2 of 4 stars). 7 submissions from 7 submitters: Benign (3); Likely benign (4). Last evaluated 2026-08-01.

Conditions:
Multiple acyl-CoA dehydrogenase deficiency (MADD). Also called: ETHYLMALONIC-ADIPICACIDURIA; GA II; Glutaric acidemia type II; GA 2; Glutaric aciduria, type 2; Glutaric Acidemia type 2. Identifiers: Orphanet 26791, MedGen C0268596, MONDO:0009282, OMIM 231680.

Allele frequency attached by ClinVar (database versions not stated): 1000 Genomes Project 0.00180; 1000 Genomes Project 30x 0.00187; TOPMed 0.00396; gnomAD 0.00458 and 0.00467; ESP Exome Variant Server 0.00470; gnomAD exomes 0.00504 and 0.00619; ExAC 0.00554.
gnomAD v4.1: 9,415 of 1,577,952 alleles (0.6%); highest among the groups gnomAD compares: Non-Finnish European, 0.7%; 54 homozygotes.

Submissions (7):

CeGaT Center for Human Genetics Tuebingen
Classification: Likely benign. Last evaluated: 2026-08-01. Review status: criteria provided, single submitter. Criteria: CeGaT Center For Human Genetics Tuebingen Variant Classification Criteria Version 2. Collection method: clinical testing. Allele origin: germline. Affected: yes. Observed: 13 variant alleles.
Comment: ETFA: BS2

Labcorp Genetics (formerly Invitae), Labcorp
Classification: Benign for Multiple acyl-CoA dehydrogenase deficiency. Last evaluated: 2026-02-04. Review status: criteria provided, single submitter. Criteria: Invitae Variant Classification Sherloc (09022015). Collection method: clinical testing. Allele origin: germline.

ARUP Laboratories, Molecular Genetics and Genomics, ARUP Laboratories
Classification: Likely benign for Multiple acyl-CoA dehydrogenase deficiency. Last evaluated: 2025-02-03. Review status: criteria provided, single submitter. Criteria: ARUP Molecular Germline Variant Investigation Process 2024. Collection method: clinical testing. Allele origin: germline.

Blueprint Genetics
Classification: Likely benign. Last evaluated: 2024-11-21. Review status: criteria provided, single submitter. Criteria: ACMG Guidelines, 2015. Collection method: clinical testing. Allele origin: germline.

Fulgent Genetics
Classification: Likely benign for Multiple acyl-CoA dehydrogenase deficiency. Last evaluated: 2021-11-22. Review status: criteria provided, single submitter. Criteria: ACMG Guidelines, 2015. Collection method: clinical testing. Allele origin: unknown.

GeneDx
Classification: Benign. Last evaluated: 2013-04-12. Review status: criteria provided, single submitter. Criteria: GeneDx Variant Classification (06012015). Collection method: clinical testing. Allele origin: germline. Affected: yes.
Comment: This variant is considered likely benign or benign based on one or more of the following criteria: it is a conservative change, it occurs at a poorly conserved position in the protein, it is predicted to be benign by multiple in silico algorithms, and/or has population frequency not consistent with disease.

Breakthrough Genomics
Classification: Benign. Review status: criteria provided, single submitter. Criteria: ACMG Guidelines, 2015. Collection method: not provided. Allele origin: germline. Inheritance: Autosomal recessive inheritance. Affected: yes.